The following is an entry in ClinVar:

ClinVar aggregate classification (germline): Likely pathogenic (1 of 4 stars; one submission).

Conditions:
Familial dysautonomia. Also called: FD; HSAN III. Identifiers: Orphanet 1764, MedGen C0013364, MONDO:0009131, OMIM 223900. Disease mechanism: loss of function.

Submission:

Natera, Inc.
Classification: Likely pathogenic for Familial dysautonomia. Last evaluated: 2025-12-01. Review status: criteria provided, single submitter. Criteria: Natera Variant Classification Schema (03/2026). Collection method: clinical testing. Allele origin: germline.
Comment: The c.738_739del variant in ELP1 is a frameshift variant predicted to shift the reading frame and introduce a stop codon. This variant is expected to result in nonsense mediated decay, truncation, or a dysfunctional protein product. This variant is rare in the general population with a frequency below the threshold expected for the associated phenotype(s). Given the available evidence, this variant is classified as Likely Pathogenic.

NM_003640.5(ELP1):c.738_739del (p.Trp246_Lys247delinsTer)

Gene: ELP1 (elongator acetyltransferase complex subunit 1; minus strand). Cytogenetic location: 9q31.3.
Variant type: Deletion.
Coding change: c.738_739del on transcript NM_003640.5 (MANE Select); coding-DNA positions 738 to 739, 2 bases deleted (GA; older notation c.738_739delGA).
Protein change: p.Trp246_Lys247delinsTer.
Molecular consequence: nonsense. On other transcripts: intron variant (1).
Genome position (GRCh38, 1-based): chr9:108,918,812-108,918,813, TC deleted on the plus strand (GA on the coding strand, the reverse complement: ELP1 is on the minus strand). VCF-style (leftmost placement, unchanged base first): chr9-108918811-TTC-T. GRCh37 (hg19) VCF-style: chr9-111681091-TTC-T.
Other names: c.-307-1143_-307-1142del (NM_001330749.2); c.396_397del, p.Trp132_Lys133delinsTer (NM_001318360.2).
Identifiers: ClinVar variation 4067146 (VCV004067146.2).